The following is an entry in ClinVar:

NM_001322934.2(NFKB2):c.1751G>C (p.Ser584Thr)

Gene: NFKB2 (nuclear factor kappa B subunit 2; plus strand). Cytogenetic location: 10q24.32.
Variant type: single nucleotide variant.
Coding change: c.1751G>C on transcript NM_001322934.2 (MANE Select); coding-DNA position 1751, G replaced by C.
Protein change: p.Ser584Thr; replaces serine 584 with threonine.
Molecular consequence: missense variant.
Genome position (GRCh38, 1-based): chr10:102,400,444, G>C. VCF-style: chr10-102400444-G-C. GRCh37 (hg19) VCF-style: chr10-104160201-G-C.
Other names: c.1751G>C, p.Ser584Thr (NM_001077494.3, NM_001261403.3, NM_001288724.1 and 1 more transcripts); c.1625G>C, p.Ser542Thr (NM_001322935.1); short protein forms S542T, S584T.
Identifiers: ClinVar variation 4759530 (VCV004759530.1).

ClinVar aggregate classification (germline): Uncertain significance (1 of 4 stars; one submission).

Conditions:
Immunodeficiency, common variable, 10. Also called: DEFICIT IN ANTERIOR PITUITARY FUNCTION AND VARIABLE IMMUNODEFICIENCY; IMMUNODEFICIENCY, COMMON VARIABLE, WITH CENTRAL ADRENAL INSUFFICIENCY. Identifiers: MedGen C3809991, MONDO:0014260, OMIM 615577.

Submission:

Labcorp Genetics (formerly Invitae), Labcorp
Classification: Uncertain significance for Immunodeficiency, common variable, 10. Last evaluated: 2025-10-08. Review status: criteria provided, single submitter. Criteria: Invitae Variant Classification Sherloc (09022015). Collection method: clinical testing. Allele origin: germline.
Comment: This sequence change replaces serine, which is neutral and polar, with threonine, which is neutral and polar, at codon 584 of the NFKB2 protein (p.Ser584Thr). This variant is not present in population databases (gnomAD no frequency). This variant has not been reported in the literature in individuals affected with NFKB2-related conditions. An algorithm developed to predict the effect of missense changes on protein structure and function (PolyPhen-2) suggests that this variant is likely to be tolerated. In summary, the available evidence is currently insufficient to determine the role of this variant in disease. Therefore, it has been classified as a Variant of Uncertain Significance.